The following is an entry in ClinVar:

NM_000038.6(APC):c.5995C>T (p.Pro1999Ser)

Gene: APC (APC regulator of Wnt signaling pathway; plus strand). Cytogenetic location: 5q22.2.
Variant type: single nucleotide variant.
Coding change: c.5995C>T on transcript NM_000038.6 (MANE Select); coding-DNA position 5995, C replaced by T.
Protein change: p.Pro1999Ser; replaces proline 1999 with serine.
Molecular consequence: missense variant. On other transcripts: non-coding transcript variant (2).
Genome position (GRCh38, 1-based): chr5:112,841,589, C>T. VCF-style: chr5-112841589-C-T. GRCh37 (hg19) VCF-style: chr5-112177286-C-T.
Other names: c.5995C>T, p.Pro1999Ser (NM_001127510.3, NM_001354895.2, NM_001407450.1); c.5941C>T, p.Pro1981Ser (NM_001127511.3); c.6049C>T, p.Pro2017Ser (NM_001354896.2, NM_001407447.1, NM_001407448.1 and 1 more transcripts); c.6025C>T, p.Pro2009Ser (NM_001354897.2); c.5920C>T, p.Pro1974Ser (NM_001354898.2); c.5911C>T, p.Pro1971Ser (NM_001354899.2); c.5872C>T, p.Pro1958Ser (NM_001354900.2); c.5818C>T, p.Pro1940Ser (NM_001354901.2, NM_001407453.1); and 11 more; short protein forms P1615S, P1716S, P1839S, P1870S, P1873S, P1898S, P1908S, P1916S.
Identifiers: ClinVar variation 2502790 (VCV002502790.7), dbSNP rs1554087136, ClinGen allele CA16034455.
Genomic context (GRCh38, chr5:112,841,589, plus strand): 5'-AACAACAATAAAGAAAATGAACCTATCAAAGAGACTGAGCCCCCTGACTCACAGGGAGAA[C>T]CAAGTAAACCTCAAGCATCAGGCTATGCTCCTAAATCATTTCATGTTGAAGATACCCCAG-3'
Protein context (NP_000029.2, residues 1989-2009): ETEPPDSQGE[Pro1999Ser]SKPQASGYAP

ClinVar aggregate classification (germline): Uncertain significance. Review status: criteria provided, multiple submitters, no conflicts (2 of 4 stars). 3 submissions from 3 submitters: Uncertain significance (3). Last evaluated 2025-08-25.

Conditions:
Hereditary cancer-predisposing syndrome. Also called: Hereditary Cancer Syndrome; Hereditary neoplastic syndrome; Neoplastic Syndromes, Hereditary; Tumor predisposition. Identifiers: Orphanet 140162, MedGen C0027672, MeSH D009386, MONDO:0015356.
Familial adenomatous polyposis 1 (FAP1). Also called: POLYPOSIS, ADENOMATOUS INTESTINAL; FAMILIAL ADENOMATOUS POLYPOSIS 1, ATTENUATED. Identifiers: MedGen C2713442, MONDO:0021056, OMIM 175100. Disease mechanism: loss of function.

Submissions (3):

Ambry Genetics
Classification: Uncertain significance for Hereditary cancer-predisposing syndrome. Last evaluated: 2025-08-25. Review status: criteria provided, single submitter. Criteria: Ambry Variant Classification Scheme 2023. Collection method: clinical testing. Allele origin: germline.
Comment: The p.P1999S variant (also known as c.5995C>T), located in coding exon 15 of the APC gene, results from a C to T substitution at nucleotide position 5995. The proline at codon 1999 is replaced by serine, an amino acid with similar properties. This amino acid position is conserved. In addition, in silico predictors for this gene do not accurately predict pathogenicity. Missense alterations in APC are not a common cause of disease (Spier I et al. Genet Med. 2024 Feb;26(2):100992). Since supporting evidence is limited at this time, the clinical significance of this alteration remains unclear.

Labcorp Genetics (formerly Invitae), Labcorp
Classification: Uncertain significance for Familial adenomatous polyposis 1. Last evaluated: 2023-09-18. Review status: criteria provided, single submitter. Criteria: Invitae Variant Classification Sherloc (09022015). Collection method: clinical testing. Allele origin: germline.
Comment: In summary, the available evidence is currently insufficient to determine the role of this variant in disease. Therefore, it has been classified as a Variant of Uncertain Significance. Advanced modeling of protein sequence and biophysical properties (such as structural, functional, and spatial information, amino acid conservation, physicochemical variation, residue mobility, and thermodynamic stability) performed at Invitae indicates that this missense variant is not expected to disrupt APC protein function. ClinVar contains an entry for this variant (Variation ID: 2502790). This variant has not been reported in the literature in individuals affected with APC-related conditions. This variant is not present in population databases (gnomAD no frequency). This sequence change replaces proline, which is neutral and non-polar, with serine, which is neutral and polar, at codon 1999 of the APC protein (p.Pro1999Ser).

GeneDx
Classification: Uncertain significance. Last evaluated: 2022-11-21. Review status: criteria provided, single submitter. Criteria: GeneDx Variant Classification Process June 2021. Collection method: clinical testing. Allele origin: germline. Affected: yes.
Comment: Not observed at significant frequency in large population cohorts (gnomAD); In silico analysis supports that this missense variant does not alter protein structure/function; Has not been previously published as pathogenic or benign to our knowledge; This variant is associated with the following publications: (PMID: 18199528)